The following is an entry in ClinVar:

NM_031935.3(HMCN1):c.5404C>T (p.Leu1802Phe)

Gene: HMCN1 (hemicentin 1; plus strand). Cytogenetic location: 1q31.1.
Variant type: single nucleotide variant.
Coding change: c.5404C>T on transcript NM_031935.3 (MANE Select); coding-DNA position 5404, C replaced by T.
Protein change: p.Leu1802Phe; replaces leucine 1802 with phenylalanine.
Molecular consequence: missense variant.
Genome position (GRCh38, 1-based): chr1:186,018,286, C>T. VCF-style: chr1-186018286-C-T. GRCh37 (hg19) VCF-style: chr1-185987418-C-T.
Other names: short protein forms L1802F.
Identifiers: ClinVar variation 3622257 (VCV003622257.2).

ClinVar aggregate classification (germline): Uncertain significance (1 of 4 stars; one submission).

gnomAD v4.1: 10 of 1,612,782 alleles (0.00062%); highest among the groups gnomAD compares: East Asian, 0.011%; no homozygotes.

Submission:

Labcorp Genetics (formerly Invitae), Labcorp
Classification: Uncertain significance. Last evaluated: 2024-12-05. Review status: criteria provided, single submitter. Criteria: Invitae Variant Classification Sherloc (09022015). Collection method: clinical testing. Allele origin: germline.
Comment: This sequence change replaces leucine, which is neutral and non-polar, with phenylalanine, which is neutral and non-polar, at codon 1802 of the HMCN1 protein (p.Leu1802Phe). This variant is present in population databases (rs747075580, gnomAD 0.008%). This variant has not been reported in the literature in individuals affected with HMCN1-related conditions. An algorithm developed to predict the effect of missense changes on protein structure and function (PolyPhen-2) suggests that this variant is likely to be tolerated. In summary, the available evidence is currently insufficient to determine the role of this variant in disease. Therefore, it has been classified as a Variant of Uncertain Significance.